The following is an entry in ClinVar:

NM_004991.4(MECOM):c.1492G>A (p.Gly498Ser)

Gene: MECOM (MDS1 and EVI1 complex locus; minus strand). Cytogenetic location: 3q26.2.
Variant type: single nucleotide variant.
Coding change: c.1492G>A on transcript NM_004991.4 (MANE Select); coding-DNA position 1492, G replaced by A.
Protein change: p.Gly498Ser; replaces glycine 498 with serine.
Molecular consequence: missense variant. On other transcripts: intron variant (2).
Genome position (GRCh38, 1-based): chr3:169,116,380, C>T on the plus strand (G>A on the coding strand, the complement: MECOM is on the minus strand). VCF-style: chr3-169116380-C-T. GRCh37 (hg19) VCF-style: chr3-168834168-C-T.
Other names: c.1123G>A, p.Gly375Ser (NM_001105077.4); c.928G>A, p.Gly310Ser (NM_001105078.4, NM_001164000.2, NM_001205194.2 and 4 more transcripts); c.931G>A, p.Gly311Ser (NM_001163999.2, NM_001366467.2, NM_001366468.2 and 1 more transcripts); c.1492G>A, p.Gly498Ser (NM_001366466.2); c.1133-613G>A (NM_001366473.2); c.569-613G>A (NM_001366474.2); short protein forms G375S, G498S, G310S, G311S.
Identifiers: ClinVar variation 2873132 (VCV002873132.3), dbSNP rs774213367, ClinGen allele CA2696330.
Genomic context (GRCh38, chr3:169,116,380, plus strand): 5'-TACTTGATAGTCCTTTAACAGGAGAACTAGCAGGTATCAAAGGAGGCCTGTGGTACAAGC[C>T]GGAAGGAAACAGACCAGGGAAGCTAAAAGAAAATCCAGGAGCTGTTGGAAAGGTAAGACC-3'
Protein context (NP_004982.2, residues 488-508): SFSFPGLFPS[Gly498Ser]LYHRPPLIPA

ClinVar aggregate classification (germline): Uncertain significance (1 of 4 stars; one submission).

Allele frequency attached by ClinVar (database versions not stated): ExAC 0.00003; gnomAD exomes 0.00001; TOPMed 0.00001.
gnomAD v4.1: 11 of 1,614,116 alleles (0.00068%); highest among the groups gnomAD compares: South Asian, 0.0044%; 1 homozygote.

Submission:

Labcorp Genetics (formerly Invitae), Labcorp
Classification: Uncertain significance. Last evaluated: 2025-04-15. Review status: criteria provided, single submitter. Criteria: Invitae Variant Classification Sherloc (09022015). Collection method: clinical testing. Allele origin: germline.
Comment: This sequence change replaces glycine, which is neutral and non-polar, with serine, which is neutral and polar, at codon 310 of the MECOM protein (p.Gly310Ser). This variant is present in population databases (rs774213367, gnomAD 0.007%). This variant has not been reported in the literature in individuals affected with MECOM-related conditions. ClinVar contains an entry for this variant (Variation ID: 2873132). An algorithm developed to predict the effect of missense changes on protein structure and function (PolyPhen-2) suggests that this variant is likely to be tolerated. In summary, the available evidence is currently insufficient to determine the role of this variant in disease. Therefore, it has been classified as a Variant of Uncertain Significance.